The following is an entry in ClinVar:

ClinVar aggregate classification (germline): Uncertain significance. Review status: criteria provided, multiple submitters, no conflicts (2 of 4 stars). 3 submissions from 3 submitters: Uncertain significance (3). Last evaluated 2025-04-01.

Allele frequency attached by ClinVar (database versions not stated): gnomAD 0.00002; ExAC 0.00003; gnomAD exomes 0.00003; TOPMed 0.00003.
gnomAD v4.1: 52 of 1,578,696 alleles (0.0033%); highest among the groups gnomAD compares: Admixed American, 0.0074%; no homozygotes.

Submissions (3):

Labcorp Genetics (formerly Invitae), Labcorp
Classification: Uncertain significance. Last evaluated: 2025-04-01. Review status: criteria provided, single submitter. Criteria: Invitae Variant Classification Sherloc (09022015). Collection method: clinical testing. Allele origin: germline.
Comment: This sequence change replaces arginine, which is basic and polar, with glutamine, which is neutral and polar, at codon 956 of the DSCAML1 protein (p.Arg956Gln). This variant is present in population databases (rs767669685, gnomAD 0.007%). This variant has not been reported in the literature in individuals affected with DSCAML1-related conditions. ClinVar contains an entry for this variant (Variation ID: 1348716). An algorithm developed to predict the effect of missense changes on protein structure and function (PolyPhen-2) suggests that this variant is likely to be disruptive. In summary, the available evidence is currently insufficient to determine the role of this variant in disease. Therefore, it has been classified as a Variant of Uncertain Significance.

Ambry Genetics
Classification: Uncertain significance. Last evaluated: 2021-08-17. Review status: criteria provided, single submitter. Criteria: Ambry Variant Classification Scheme 2023. Collection method: clinical testing. Allele origin: germline.

Breakthrough Genomics
Classification: Uncertain significance. Review status: criteria provided, single submitter. Criteria: ACMG Guidelines, 2015. Collection method: not provided. Allele origin: germline. Inheritance: Unknown mechanism. Affected: yes.

NM_020693.4(DSCAML1):c.2687G>A (p.Arg896Gln)

Gene: DSCAML1 (DS cell adhesion molecule like 1; minus strand). Cytogenetic location: 11q23.3.
Variant type: single nucleotide variant.
Coding change: c.2687G>A on transcript NM_020693.4 (MANE Select); coding-DNA position 2687, G replaced by A.
Protein change: p.Arg896Gln; replaces arginine 896 with glutamine.
Molecular consequence: missense variant.
Genome position (GRCh38, 1-based): chr11:117,480,541, C>T on the plus strand (G>A on the coding strand, the complement: DSCAML1 is on the minus strand). VCF-style: chr11-117480541-C-T. GRCh37 (hg19) VCF-style: chr11-117351256-C-T.
Other names: c.2867G>A (NM_020693.2); c.2687G>A, p.Arg896Gln (NM_001367904.1); short protein forms R896Q.
Identifiers: ClinVar variation 1348716 (VCV001348716.10), dbSNP rs767669685, ClinGen allele CA6296909.